The following is an entry in ClinVar:

ClinVar aggregate classification (germline): Uncertain significance (1 of 4 stars; one submission).

Submission:

Labcorp Genetics (formerly Invitae), Labcorp
Classification: Uncertain significance. Last evaluated: 2023-07-07. Review status: criteria provided, single submitter. Criteria: Invitae Variant Classification Sherloc (09022015). Collection method: clinical testing. Allele origin: germline.
Comment: This sequence change replaces alanine, which is neutral and non-polar, with proline, which is neutral and non-polar, at codon 2045 of the MYO18B protein (p.Ala2045Pro). This variant is not present in population databases (gnomAD no frequency). This variant has not been reported in the literature in individuals affected with MYO18B-related conditions. ClinVar contains an entry for this variant (Variation ID: 2098951). An algorithm developed to predict the effect of missense changes on protein structure and function (PolyPhen-2) suggests that this variant is likely to be disruptive. In summary, the available evidence is currently insufficient to determine the role of this variant in disease. Therefore, it has been classified as a Variant of Uncertain Significance.

NM_032608.7(MYO18B):c.6133G>C (p.Ala2045Pro)

Gene: MYO18B (myosin XVIIIB; plus strand). Cytogenetic location: 22q12.1.
Variant type: single nucleotide variant.
Coding change: c.6133G>C on transcript NM_032608.7 (MANE Select); coding-DNA position 6133, G replaced by C.
Protein change: p.Ala2045Pro; replaces alanine 2045 with proline.
Molecular consequence: missense variant.
Genome position (GRCh38, 1-based): chr22:25,955,341, G>C. VCF-style: chr22-25955341-G-C. GRCh37 (hg19) VCF-style: chr22-26351307-G-C.
Other names: c.6136G>C, p.Ala2046Pro (NM_001318245.2); short protein forms A2045P, A2046P.
Identifiers: ClinVar variation 2098951 (VCV002098951.4), dbSNP rs2518114502, ClinGen allele CA411009472.